The following is an entry in ClinVar:

NM_007294.4(BRCA1):c.3152del (p.Thr1051fs)

Gene: BRCA1 (BRCA1 DNA repair associated; minus strand). Cytogenetic location: 17q21.31.
Variant type: Deletion.
Coding change: c.3152del on transcript NM_007294.4 (MANE Select); coding-DNA position 3152, one base deleted (C; older notation c.3152delC).
Protein change: p.Thr1051fs; shifts the reading frame from threonine 1051.
Molecular consequence: frameshift variant. On other transcripts: intron variant (137).
Genome position (GRCh38, 1-based): chr17:43,092,379, G deleted on the plus strand (C on the coding strand, the reverse complement: BRCA1 is on the minus strand). VCF-style (leftmost placement, unchanged base first): chr17-43092378-AG-A. GRCh37 (hg19) VCF-style: chr17-41244395-AG-A.
Other names: c.647-1347del (NM_001408458.1, NM_001408469.1, NM_001408453.1 and 11 more transcripts); c.284-1347del (NM_001408512.1); c.407-1347del (NM_001408510.1); c.644-1347del (NM_001408470.1, NM_001408464.1, NM_001408468.1 and 3 more transcripts); c.785-1347del (NM_001408397.1, NM_001408401.1, NM_001408396.1 and 13 more transcripts); c.665-1347del (NM_001408436.1, NM_001408444.1, NM_001408438.1 and 12 more transcripts); c.788-1347del (NM_001407980.1, NM_001407993.1, NM_001407976.1 and 17 more transcripts); c.653-1347del (NM_001408451.1); and 41 more; short protein forms T1009fs, T1010fs, T1025fs, T923fs, T924fs, T939fs, T984fs, T1003fs.
Identifiers: ClinVar variation 4719145 (VCV004719145.1).

ClinVar aggregate classification (germline): Pathogenic (1 of 4 stars; one submission).

Conditions:
Hereditary breast ovarian cancer syndrome. Also called: Hereditary breast and ovarian cancer syndrome; Hereditary breast and ovarian cancer syndrome (HBOC); Breast and ovarian cancer; BRCA1- and BRCA2-Associated Hereditary Breast and Ovarian Cancer; Hereditary breast and/or ovarian cancer syndrome; Hereditary breast and ovarian cancer. Identifiers: Orphanet 145, MedGen C0677776, MeSH D061325, MONDO:0003582. Disease mechanism: loss of function.

Submission:

Labcorp Genetics (formerly Invitae), Labcorp
Classification: Pathogenic for Hereditary breast ovarian cancer syndrome. Last evaluated: 2025-05-07. Review status: criteria provided, single submitter. Criteria: Invitae Variant Classification Sherloc (09022015). Collection method: clinical testing. Allele origin: germline.
Comment: This sequence change creates a premature translational stop signal (p.Thr1051Ilefs*11) in the BRCA1 gene. It is expected to result in an absent or disrupted protein product. Loss-of-function variants in BRCA1 are known to be pathogenic (PMID: 20104584). This variant is not present in population databases (gnomAD no frequency). This variant has not been reported in the literature in individuals affected with BRCA1-related conditions. For these reasons, this variant has been classified as Pathogenic.

Literature cited by the submitters: PubMed 20104584.